The following is an entry in ClinVar:

NM_004006.3(DMD):c.7201-398_7215del

Gene: DMD (dystrophin; minus strand). Cytogenetic location: Xp21.1.
Variant type: Deletion.
Coding change: c.7201-398_7215del on transcript NM_004006.3 (MANE Select); 398 bases into the intron before coding-DNA position 7201 through coding-DNA position 7215, 413 bases deleted.
Molecular consequence: splice acceptor variant.
Genome position (GRCh38, 1-based): chrX:31,820,069-31,820,481, 413 bases deleted. GRCh37 (hg19): chrX:31,838,189-31,838,601.
Other names: c.7177-398_7191del (NM_000109.4); c.3178-398_3192del (NM_004011.4); c.3169-398_3183del (NM_004012.4); c.-180-398_-166del (NM_004023.3, NM_004020.4, NM_004022.3 and 2 more transcripts); c.7189-398_7203del (NM_004009.3); c.6832-398_6846del (NM_004010.3).
Identifiers: ClinVar variation 1475460 (VCV001475460.6), dbSNP rs2149424713, ClinGen allele CA2573158644.

ClinVar aggregate classification (germline): Likely pathogenic (1 of 4 stars; one submission).

Conditions:
Duchenne muscular dystrophy (DMD). Also called: Duchenne Muscular Dystrophy (DMD); MUSCULAR DYSTROPHY, PSEUDOHYPERTROPHIC PROGRESSIVE, DUCHENNE TYPE. Identifiers: Orphanet 98896, MedGen C0013264, MONDO:0010679, OMIM 310200.

Submission:

Labcorp Genetics (formerly Invitae), Labcorp
Classification: Likely pathogenic for Duchenne muscular dystrophy. Last evaluated: 2022-08-23. Review status: criteria provided, single submitter. Criteria: Invitae Variant Classification Sherloc (09022015). Collection method: clinical testing. Allele origin: germline.
Comment: In summary, the currently available evidence indicates that the variant is pathogenic, but additional data are needed to prove that conclusively. Therefore, this variant has been classified as Likely Pathogenic. ClinVar contains an entry for this variant (Variation ID: 1475460). This variant has not been reported in the literature in individuals affected with DMD-related conditions. This variant is not present in population databases (gnomAD no frequency). This variant results in the deletion of part of exon 50 (c.7201-398_7215del) of the DMD gene. It is expected to disrupt RNA splicing. Variants that disrupt the donor or acceptor splice site typically lead to a loss of protein function (PMID: 16199547), and loss-of-function variants in DMD are known to be pathogenic (PMID: 16770791, 25007885).

Literature cited by the submitters: PubMed 16199547; PubMed 16770791; PubMed 25007885.